The following is an entry in ClinVar:

NM_006885.4(ZFHX3):c.5964C>T (p.Cys1988=)

Genes: ZFHX3 (zinc finger homeobox 3; minus strand), ZFHX3-AS1 (ZFHX3 antisense RNA 1; plus strand). Cytogenetic location: 16q22.2.
Variant type: single nucleotide variant.
Coding change: c.5964C>T on transcript NM_006885.4 (MANE Select); coding-DNA position 5964, C replaced by T.
Protein change: p.Cys1988=; no amino-acid change (cysteine 1988 retained).
Molecular consequence: synonymous variant.
Genome position (GRCh38, 1-based): chr16:72,796,718, G>A on the plus strand (C>T on the coding strand, the complement: ZFHX3 is on the minus strand). VCF-style: chr16-72796718-G-A. GRCh37 (hg19) VCF-style: chr16-72830617-G-A.
Other names: c.3222C>T, p.Cys1074= (NM_001164766.2); c.5964C>T, p.Cys1988= (NM_001386735.1).
Identifiers: ClinVar variation 4681388 (VCV004681388.5).

ClinVar aggregate classification (germline): Likely benign (1 of 4 stars; one submission).

gnomAD v4.1: 134 of 1,613,716 alleles (0.0083%); highest among the groups gnomAD compares: African/African-American, 0.13%; no homozygotes.

Submission:

CeGaT Center for Human Genetics Tuebingen
Classification: Likely benign. Last evaluated: 2025-12-01. Review status: criteria provided, single submitter. Criteria: CeGaT Center For Human Genetics Tuebingen Variant Classification Criteria Version 2. Collection method: clinical testing. Allele origin: germline. Affected: yes. Observed: 1 variant allele.
Comment: ZFHX3: BP4, BP7